The following is an entry in ClinVar:

NM_001371727.1(GABRB2):c.1394G>C (p.Ser465Thr)

Gene: GABRB2 (gamma-aminobutyric acid type A receptor subunit beta2; minus strand). Cytogenetic location: 5q34.
Variant type: single nucleotide variant.
Coding change: c.1394G>C on transcript NM_001371727.1 (MANE Select); coding-DNA position 1394, G replaced by C.
Protein change: p.Ser465Thr; replaces serine 465 with threonine.
Molecular consequence: missense variant.
Genome position (GRCh38, 1-based): chr5:161,294,226, C>G on the plus strand (G>C on the coding strand, the complement: GABRB2 is on the minus strand). VCF-style: chr5-161294226-C-G. GRCh37 (hg19) VCF-style: chr5-160721233-C-G.
Other names: c.1280G>C, p.Ser427Thr (NM_000813.3); c.1394G>C, p.Ser465Thr (NM_021911.3); short protein forms S427T, S465T.
Identifiers: ClinVar variation 3359657 (VCV003359657.1).
Genomic context (GRCh38, chr5:161,294,226, plus strand): 5'-TTCACATCAGTCAAGTCAGGGATGGTGATTTTCAGTTGGGAGGCGCGTCTCCTCAGGCGA[C>G]TTTTCTTTTGCGCCACATGTCGTTCCAGAGCATTTCGGCCAAAACTATGCCTGGGCAACC-3'
Protein context (NP_001358656.1, residues 455-475): ALERHVAQKK[Ser465Thr]RLRRRASQLK

ClinVar aggregate classification (germline): Uncertain significance (1 of 4 stars; one submission).

Submission:

GeneDx
Classification: Uncertain significance. Last evaluated: 2023-06-12. Review status: criteria provided, single submitter. Criteria: GeneDx Variant Classification Process June 2021. Collection method: clinical testing. Allele origin: germline. Affected: yes.
Comment: Not observed at significant frequency in large population cohorts (gnomAD); In silico analysis supports that this missense variant does not alter protein structure/function; Has not been previously published as pathogenic or benign to our knowledge